The following is an entry in ClinVar:

NM_133379.5(TTN):c.12067G>A (p.Gly4023Arg)

Gene: TTN (titin; minus strand). Cytogenetic location: 2q31.2.
Variant type: single nucleotide variant.
Coding change: c.12067G>A on transcript NM_133379.5; coding-DNA position 12067, G replaced by A.
Protein change: p.Gly4023Arg; replaces glycine 4023 with arginine.
Molecular consequence: missense variant. On other transcripts: intron variant (6).
Genome position (GRCh38, 1-based): chr2:178,750,333, C>T on the plus strand (G>A on the coding strand, the complement: TTN is on the minus strand). VCF-style: chr2-178750333-C-T. GRCh37 (hg19) VCF-style: chr2-179615060-C-T.
Other names: p.G4023R:GGA>AGA; c.10360+2791G>A (NM_133378.4, NM_001256850.1); c.10222+2791G>A (NM_003319.4); c.10798+2791G>A (NM_133437.4); c.10597+2791G>A (NM_133432.3); c.11311+2791G>A (NM_001267550.2); c.12067G>A (NM_133379.4); short protein forms G4023R.
Identifiers: ClinVar variation 47742 (VCV000047742.68), dbSNP rs143253411, ClinGen allele CA284443.

ClinVar aggregate classification (germline): Benign/Likely benign. Review status: criteria provided, multiple submitters, no conflicts (2 of 4 stars). 13 submissions from 13 submitters: Benign (5); Likely benign (4). 4 of the submissions do not count toward it. Last evaluated 2026-08-01.

Conditions:
TTN-related disorder. Also called: TTN-related disorders; TTN-related condition; TTN-related disease.
Autosomal recessive limb-girdle muscular dystrophy type 2J (LGMDR10). Also called: MUSCULAR DYSTROPHY, LIMB-GIRDLE, AUTOSOMAL RECESSIVE 10; Limb-girdle muscular dystrophy, type 2J. Identifiers: Orphanet 140922, MedGen C1837342, MONDO:0012127, OMIM 608807.
Dilated cardiomyopathy 1G (CMD1G). Identifiers: Orphanet 154, MedGen C1858763, MONDO:0011400, OMIM 604145.
Early-onset myopathy with fatal cardiomyopathy (CMYO5). Also called: CONGENITAL MYOPATHY 5 WITH CARDIOMYOPATHY; Salih Myopathy. Identifiers: Orphanet 289377, MedGen C2673677, MONDO:0012714, OMIM 611705. Disease mechanism: loss of function.
Hypertrophic cardiomyopathy 9. Also called: Familial hypertrophic cardiomyopathy 9. Identifiers: MedGen C1861065, MONDO:0013412, OMIM 613765.
Myopathy, myofibrillar, 9, with early respiratory failure (MFM9). Also called: Myopathy, distal, with early respiratory failure, autosomal dominant; Hereditary myopathy with early respiratory failure; EDSTROM MYOPATHY; MYOPATHY, PROXIMAL, WITH EARLY RESPIRATORY MUSCLE INVOLVEMENT. Identifiers: Orphanet 178464, Orphanet 34521, MedGen C1863599, MONDO:0011362, OMIM 603689.
Tibial muscular dystrophy (TMD). Also called: Tibial muscular dystrophy, tardive; Udd Distal Myopathy – Tibial Muscular Dystrophy; UDD MYOPATHY. Identifiers: Orphanet 609, MedGen C1838244, MONDO:0010870, OMIM 600334.

Allele frequency attached by ClinVar (database versions not stated): gnomAD exomes 0.00068 and 0.00127; TOPMed 0.00354; gnomAD 0.00332 and 0.00311; 1000 Genomes Project 0.00339; 1000 Genomes Project 30x 0.00344; ESP Exome Variant Server 0.00338.
gnomAD v4.1: 1,526 of 1,613,090 alleles (0.095%); highest among the groups gnomAD compares: African/African-American, 0.99%; 8 homozygotes.

Submissions (13):

CeGaT Center for Human Genetics Tuebingen
Classification: Likely benign. Last evaluated: 2026-08-01. Review status: criteria provided, single submitter. Criteria: CeGaT Center For Human Genetics Tuebingen Variant Classification Criteria Version 2. Collection method: clinical testing. Allele origin: germline. Affected: yes. Observed: 35 variant alleles.
Comment: TTN: PP3, BS2

Labcorp Genetics (formerly Invitae), Labcorp
Classification: Benign for Dilated cardiomyopathy 1G; Autosomal recessive limb-girdle muscular dystrophy type 2J. Last evaluated: 2025-10-27. Review status: criteria provided, single submitter. Criteria: Invitae Variant Classification Sherloc (09022015). Collection method: clinical testing. Allele origin: germline.

Molecular Diagnostic Laboratory for Inherited Cardiovascular Disease, Montreal Heart Institute
Classification: Benign. Last evaluated: 2025-04-09. Review status: criteria provided, single submitter. Criteria: ACMG Guidelines, 2015. Collection method: clinical testing. Allele origin: germline. Affected: no.

Blueprint Genetics
Classification: Likely benign. Last evaluated: 2024-10-22. Review status: criteria provided, single submitter. Criteria: ACMG Guidelines, 2015. Collection method: clinical testing. Allele origin: germline.

Fulgent Genetics
Classification: Likely benign for Tibial muscular dystrophy; Myopathy, myofibrillar, 9, with early respiratory failure; Dilated cardiomyopathy 1G; Autosomal recessive limb-girdle muscular dystrophy type 2J; Early-onset myopathy with fatal cardiomyopathy; Hypertrophic cardiomyopathy 9. Last evaluated: 2022-04-06. Review status: criteria provided, single submitter. Criteria: ACMG Guidelines, 2015. Collection method: clinical testing. Allele origin: unknown.

ARUP Laboratories, Molecular Genetics and Genomics, ARUP Laboratories
Classification: Likely benign. Last evaluated: 2021-05-07. Review status: criteria provided, single submitter. Criteria: ARUP Molecular Germline Variant Investigation Process 2021. Collection method: clinical testing. Allele origin: germline.

Laboratory for Molecular Medicine, Mass General Brigham Personalized Medicine
Classification: Benign. Last evaluated: 2015-03-20. Review status: criteria provided, single submitter. Criteria: LMM Criteria. Collection method: clinical testing. Allele origin: germline. Observed: 3 variant alleles.
Comment: p.Gly4023Arg in exon 45A of TTN: This variant is not expected to have clinical s ignificance because it has been identified in 1% (106/10394) of African chromoso mes by the Exome Aggregation Consortium (ExAC; dbSNP rs143253411).

GeneDx
Classification: Benign. Last evaluated: 2014-05-12. Review status: criteria provided, single submitter. Criteria: GeneDx Variant Classification (06012015). Collection method: clinical testing. Allele origin: germline. Affected: yes.
Comment: This variant is considered likely benign or benign based on one or more of the following criteria: it is a conservative change, it occurs at a poorly conserved position in the protein, it is predicted to be benign by multiple in silico algorithms, and/or has population frequency not consistent with disease.

Biesecker Lab/Clinical Genomics Section, National Institutes of Health
Classification: Benign. Last evaluated: 2013-06-24. Review status: criteria provided, single submitter. Criteria: Ng et al. (Circ Cardiovasc Genet. 2013). Collection method: research. Allele origin: unknown. Observed: 3 variant alleles. Study: ClinSeq.
Comment: The study set was not selected for affection status in relation to any cancer. Pathogenicity categories were based on literature curation. See Pubmed ID:23861362 for details.

Medical sequencing

PreventionGenetics, part of Exact Sciences
Classification: Benign for TTN-related condition. Last evaluated: 2021-09-08. Review status: no assertion criteria provided. Collection method: clinical testing. Allele origin: germline. Not counted in ClinVar's aggregate classification.
Comment: This variant is classified as benign based on ACMG/AMP sequence variant interpretation guidelines (Richards et al. 2015 PMID: 25741868, with internal and published modifications).

Clinical Genetics, Academic Medical Center
Classification: Benign. Review status: no assertion criteria provided. Collection method: clinical testing. Allele origin: germline. Affected: yes. Study: VKGL Data-share Consensus. Not counted in ClinVar's aggregate classification.

Diagnostic Laboratory, Department of Genetics, University Medical Center Groningen
Classification: Benign. Review status: no assertion criteria provided. Collection method: clinical testing. Allele origin: germline. Affected: yes. Study: VKGL Data-share Consensus. Not counted in ClinVar's aggregate classification.

Laboratory of Diagnostic Genome Analysis, Leiden University Medical Center (LUMC)
Classification: Likely benign. Review status: no assertion criteria provided. Collection method: clinical testing. Allele origin: germline. Affected: yes. Study: VKGL Data-share Consensus. Not counted in ClinVar's aggregate classification.